The following is an entry in ClinVar:

ClinVar aggregate classification (germline): Uncertain significance (1 of 4 stars; one submission).

Submission:

Ambry Genetics
Classification: Uncertain significance. Last evaluated: 2025-11-04. Review status: criteria provided, single submitter. Criteria: Ambry Variant Classification Scheme 2023. Collection method: clinical testing. Allele origin: germline.
Comment: The p.T611S variant (also known as c.1832C>G), located in coding exon 2 of the CDK12 gene, results from a C to G substitution at nucleotide position 1832. The threonine at codon 611 is replaced by serine, an amino acid with similar properties. This amino acid position is conserved. In addition, this alteration is predicted to be tolerated by in silico analysis. Based on the available evidence, the clinical significance of this variant remains unclear.

NM_016507.4(CDK12):c.1832C>G (p.Thr611Ser)

Gene: CDK12 (cyclin dependent kinase 12; plus strand). Cytogenetic location: 17q12.
Variant type: single nucleotide variant.
Coding change: c.1832C>G on transcript NM_016507.4 (MANE Select); coding-DNA position 1832, C replaced by G.
Protein change: p.Thr611Ser; replaces threonine 611 with serine.
Molecular consequence: missense variant.
Genome position (GRCh38, 1-based): chr17:39,471,664, C>G. VCF-style: chr17-39471664-C-G. GRCh37 (hg19) VCF-style: chr17-37627917-C-G.
Other names: c.1832C>G, p.Thr611Ser (NM_015083.4); short protein forms T611S.
Identifiers: ClinVar variation 4651430 (VCV004651430.1).